The following is an entry in ClinVar:

NM_003837.4(FBP2):c.364G>A (p.Asp122Asn)

Gene: FBP2 (fructose-bisphosphatase 2; minus strand). Cytogenetic location: 9q22.32.
Variant type: single nucleotide variant.
Coding change: c.364G>A on transcript NM_003837.4 (MANE Select); coding-DNA position 364, G replaced by A.
Protein change: p.Asp122Asn; replaces aspartic acid 122 with asparagine.
Molecular consequence: missense variant.
Genome position (GRCh38, 1-based): chr9:94,584,639, C>T on the plus strand (G>A on the coding strand, the complement: FBP2 is on the minus strand). VCF-style: chr9-94584639-C-T. GRCh37 (hg19) VCF-style: chr9-97346921-C-T.
Other names: short protein forms D122N.
Identifiers: ClinVar variation 4532252 (VCV004532252.1).
Genomic context (GRCh38, chr9:94,584,639, plus strand): 5'-TTCTATAGATGGCAAAGATGGTTCCGATGGAGGCCAGGCAGTCAATATTGGAAGATCCAT[C>T]CAGTGGGTCAAAGCAGACCACGTATTTCCCCTAAATCAGAGAGGAAAGCACCAACTGATC-3'
Protein context (NP_003828.2, residues 112-132): GKYVVCFDPL[Asp122Asn]GSSNIDCLAS

ClinVar aggregate classification (germline): Uncertain significance (1 of 4 stars; one submission).

Conditions:
Leukodystrophy, childhood-onset, remitting (CORLK). Identifiers: MedGen C5676979, MONDO:0859246, OMIM 619864.

Submission:

Institute of Human Genetics, University of Goettingen
Classification: Uncertain significance for Leukodystrophy, childhood-onset, remitting. Last evaluated: 2025-06-18. Review status: criteria provided, single submitter. Criteria: ACMG Guidelines, 2015. Collection method: clinical testing. Allele origin: unknown. Inheritance: Autosomal dominant inheritance. Affected: yes. Observed: 1 heterozygote.
Comment: The variant c.364G>A (p.(Asp122Asn)) in exon 3 of the FBP2-gene is not found in the gnomAD database, it affects a highly conserved nucleotide, and a highly conserved amino acid and there is a small physicochemical difference between Asp and Asn. This variant has a pathogenic computational verdict based on in silico prediction algorithms. ACMG criteria used for classification: PM2_sup, PP3_mod